The following is an entry in ClinVar:

ClinVar aggregate classification (germline): Uncertain significance (1 of 4 stars; one submission).

gnomAD v4.1: 1 of 1,583,502 alleles (0.000063%); highest among the groups gnomAD compares: Non-Finnish European, 0.000086%; no homozygotes.

Submission:

GeneDx
Classification: Uncertain significance. Last evaluated: 2025-07-19. Review status: criteria provided, single submitter. Criteria: GeneDx Variant Classification Process June 2021. Collection method: clinical testing. Allele origin: germline. Affected: yes.
Comment: Not observed at significant frequency in large population cohorts (gnomAD); In silico analysis supports that this missense variant has a deleterious effect on protein structure/function; Has not been previously published as pathogenic or benign to our knowledge

NM_024665.7(TBL1XR1):c.221A>G (p.Asp74Gly)

Gene: TBL1XR1 (TBL1X/Y related 1; minus strand). Cytogenetic location: 3q26.32.
Variant type: single nucleotide variant.
Coding change: c.221A>G on transcript NM_024665.7 (MANE Select); coding-DNA position 221, A replaced by G.
Protein change: p.Asp74Gly; replaces aspartic acid 74 with glycine.
Molecular consequence: missense variant. On other transcripts: 5 prime UTR variant (2).
Genome position (GRCh38, 1-based): chr3:177,051,710, T>C on the plus strand (A>G on the coding strand, the complement: TBL1XR1 is on the minus strand). VCF-style: chr3-177051710-T-C. GRCh37 (hg19) VCF-style: chr3-176769498-T-C.
Other names: c.221A>G, p.Asp74Gly (NM_001321193.3, NM_001321194.3, NM_001374327.1 and 2 more transcripts); c.-41A>G (NM_001321195.3, NM_001374330.1); short protein forms D74G.
Identifiers: ClinVar variation 4686096 (VCV004686096.1).